The following is an entry in ClinVar:

NM_024426.6(WT1):c.606T>C (p.Pro202=)

Genes: WT1 (WT1 transcription factor; minus strand), LOC107982234 (WT1/WT1-AS bi-directional promoter region; plus strand). Cytogenetic location: 11p13.
Variant type: single nucleotide variant.
Coding change: c.606T>C on transcript NM_024426.6 (MANE Select); coding-DNA position 606, T replaced by C.
Protein change: p.Pro202=; no amino-acid change (proline 202 retained).
Molecular consequence: synonymous variant. On other transcripts: non-coding transcript variant (2).
Genome position (GRCh38, 1-based): chr11:32,434,755, A>G on the plus strand (T>C on the coding strand, the complement: WT1 is on the minus strand). VCF-style: chr11-32434755-A-G. GRCh37 (hg19) VCF-style: chr11-32456301-A-G.
Other names: c.606T>C, p.Pro202= (NM_000378.6, NM_001407044.1, NM_001407045.1 and 6 more transcripts); c.387T>C, p.Pro129= (NM_001429031.1, NM_001429032.1, NM_001429033.1 and 1 more transcripts).
Identifiers: ClinVar variation 3817474 (VCV003817474.9).
Genomic context (GRCh38, chr11:32,434,755, plus strand): 5'-CTTACCCTGATTGCGAATAGCGGGCTGGCTCTCGAGGCAGCTGGGCAGGTAGGGCGCGTT[A>G]GGAAACATCCTGGCCTGGCCGGATGACGCCTGGCTGGGCGGAGGAGGACCGAAGGGCCCG-3'
Protein context (NP_077744.4, residues 192-212): QASSGQARMF[Pro202=]NAPYLPSCLE

ClinVar aggregate classification (germline): Likely benign. Review status: criteria provided, multiple submitters, no conflicts (2 of 4 stars). 2 submissions from 2 submitters: Likely benign (2). Last evaluated 2025-08-01.

Conditions:
Inborn genetic diseases. Identifiers: MedGen C0950123, MeSH D030342.

Submissions (2):

CeGaT Center for Human Genetics Tuebingen
Classification: Likely benign. Last evaluated: 2025-08-01. Review status: criteria provided, single submitter. Criteria: CeGaT Center For Human Genetics Tuebingen Variant Classification Criteria Version 2. Collection method: clinical testing. Allele origin: germline. Affected: yes. Observed: 1 variant allele.
Comment: WT1: PM2:Supporting, BP4, BP7

Ambry Genetics
Classification: Likely benign for Inborn genetic diseases. Last evaluated: 2025-02-02. Review status: criteria provided, single submitter. Criteria: Ambry Variant Classification Scheme 2023. Collection method: clinical testing. Allele origin: germline.